The following is an entry in ClinVar:

NM_001151.4(SLC25A4):c.*957T>C

Gene: SLC25A4 (solute carrier family 25 member 4; plus strand). Cytogenetic location: 4q35.1.
Variant type: single nucleotide variant.
Coding change: c.*957T>C on transcript NM_001151.4 (MANE Select); 957 bases downstream of the stop codon, T replaced by C.
Molecular consequence: 3 prime UTR variant.
Genome position (GRCh38, 1-based): chr4:185,147,928, T>C. VCF-style: chr4-185147928-T-C. GRCh37 (hg19) VCF-style: chr4-186069082-T-C.
Identifiers: ClinVar variation 348260 (VCV000348260.5), dbSNP rs11930741, ClinGen allele CA10620563.
Genomic context (GRCh38, chr4:185,147,928, plus strand): 5'-TACTCAGGAGGCTGAGGCATCAGAATCACTTGAACCCGAGAGGCAGAGGTTGCAGTGAGC[T>C]GAGATGGCATGCCACCACATCCATCCTAAGCGACAGGGCAAGACTCTGTCTCAAAAAAAA-3'

ClinVar aggregate classification (germline): Benign (1 of 4 stars; one submission).

Conditions:
Progressive external ophthalmoplegia with mitochondrial DNA deletions, autosomal dominant 2. Also called: PROGRESSIVE EXTERNAL OPHTHALMOPLEGIA, AUTOSOMAL DOMINANT 2. Identifiers: MedGen C1836460, MONDO:0012238, OMIM 609283.

Allele frequency attached by ClinVar (database versions not stated): gnomAD 0.01647 and 0.01671; TOPMed 0.01765; 1000 Genomes Project 0.02636.

Submission:

Illumina Laboratory Services, Illumina
Classification: Benign for Progressive external ophthalmoplegia with mitochondrial DNA deletions, autosomal dominant 2. Last evaluated: 2018-01-13. Review status: criteria provided, single submitter. Criteria: ICSL Variant Classification Criteria 13 December 2019. Collection method: clinical testing. Allele origin: germline.
Comment: This variant was observed in the ICSL laboratory as part of a predisposition screen in an ostensibly healthy population. It had not been previously curated by ICSL or reported in the Human Gene Mutation Database (HGMD: prior to June 1st, 2018), and was therefore a candidate for classification through an automated scoring system. Utilizing variant allele frequency, disease prevalence and penetrance estimates, and inheritance mode, an automated score was calculated to assess if this variant is too frequent to cause the disease. Based on the score and internal cut-off values, a variant classified as benign is not then subjected to further curation. The score for this variant resulted in a classification of benign for this disease.